The following is an entry in ClinVar:

ClinVar aggregate classification (germline): Uncertain significance (1 of 4 stars; one submission).

Conditions:
Hereditary cancer-predisposing syndrome. Also called: Tumor predisposition; Neoplastic Syndromes, Hereditary; Hereditary neoplastic syndrome; Hereditary Cancer Syndrome. Identifiers: Orphanet 140162, MedGen C0027672, MeSH D009386, MONDO:0015356.

Submission:

Labcorp Genetics (formerly Invitae), Labcorp
Classification: Uncertain significance for Hereditary cancer-predisposing syndrome. Last evaluated: 2023-07-12. Review status: criteria provided, single submitter. Criteria: Invitae Variant Classification Sherloc (09022015). Collection method: clinical testing. Allele origin: germline.
Comment: This sequence change replaces serine, which is neutral and polar, with asparagine, which is neutral and polar, at codon 624 of the RAD50 protein (p.Ser624Asn). In summary, the available evidence is currently insufficient to determine the role of this variant in disease. Therefore, it has been classified as a Variant of Uncertain Significance. Advanced modeling of protein sequence and biophysical properties (such as structural, functional, and spatial information, amino acid conservation, physicochemical variation, residue mobility, and thermodynamic stability) performed at Invitae indicates that this missense variant is not expected to disrupt RAD50 protein function. ClinVar contains an entry for this variant (Variation ID: 848685). This variant has not been reported in the literature in individuals affected with RAD50-related conditions. This variant is not present in population databases (gnomAD no frequency).

NM_005732.4(RAD50):c.1871G>A (p.Ser624Asn)

Gene: RAD50 (RAD50 double strand break repair protein; plus strand). Cytogenetic location: 5q31.1.
Variant type: single nucleotide variant.
Coding change: c.1871G>A on transcript NM_005732.4 (MANE Select); coding-DNA position 1871, G replaced by A.
Protein change: p.Ser624Asn; replaces serine 624 with asparagine.
Molecular consequence: missense variant.
Genome position (GRCh38, 1-based): chr5:132,594,946, G>A. VCF-style: chr5-132594946-G-A. GRCh37 (hg19) VCF-style: chr5-131930638-G-A.
Other names: short protein forms S624N.
Identifiers: ClinVar variation 848685 (VCV000848685.8), dbSNP rs1750763046, ClinGen allele CA360947868.
Genomic context (GRCh38, chr5:132,594,946, plus strand): 5'-CTGAGCAGAATAAAAATCATATAAATAATGAACTAAAAAGAAAGGAAGAGCAGTTGTCCA[G>A]TTACGAAGACAAGCTGTTTGATGTTTGTGGTAGCCAGGATTTTGAAAGTGATTTAGACAG-3'
Protein context (NP_005723.2, residues 614-634): ELKRKEEQLS[Ser624Asn]YEDKLFDVCG